The following is an entry in ClinVar:

NM_002691.4(POLD1):c.76G>T (p.Asp26Tyr)

Gene: POLD1 (DNA polymerase delta 1, catalytic subunit; plus strand). Cytogenetic location: 19q13.33.
Variant type: single nucleotide variant.
Coding change: c.76G>T on transcript NM_002691.4 (MANE Select); coding-DNA position 76, G replaced by T.
Protein change: p.Asp26Tyr; replaces aspartic acid 26 with tyrosine.
Molecular consequence: missense variant. On other transcripts: non-coding transcript variant (1).
Genome position (GRCh38, 1-based): chr19:50,398,927, G>T. VCF-style: chr19-50398927-G-T. GRCh37 (hg19) VCF-style: chr19-50902184-G-T.
Other names: c.76G>T, p.Asp26Tyr (NM_001256849.1, NM_001308632.1, NM_001438210.1 and 3 more transcripts); short protein forms D26Y.
Identifiers: ClinVar variation 4532437 (VCV004532437.1).

ClinVar aggregate classification (germline): Uncertain significance (1 of 4 stars; one submission).

gnomAD v4.1: 1 of 1,596,966 alleles (0.000063%); highest among the groups gnomAD compares: Non-Finnish European, 0.000085%; no homozygotes.

Submission:

GeneDx
Classification: Uncertain significance. Last evaluated: 2025-05-27. Review status: criteria provided, single submitter. Criteria: GeneDx Variant Classification Process June 2021. Collection method: clinical testing. Allele origin: germline. Affected: yes.
Comment: Not observed at significant frequency in large population cohorts (gnomAD); In silico analysis supports that this missense variant has a deleterious effect on protein structure/function; Has not been previously published as pathogenic or benign to our knowledge